The following is an entry in ClinVar:

NM_020066.5(FMN2):c.3528G>T (p.Pro1176=)

Gene: FMN2 (formin 2; plus strand). Cytogenetic location: 1q43.
Variant type: single nucleotide variant.
Coding change: c.3528G>T on transcript NM_020066.5 (MANE Select); coding-DNA position 3528, G replaced by T.
Protein change: p.Pro1176=; no amino-acid change (proline 1176 retained).
Molecular consequence: synonymous variant. On other transcripts: intron variant (1).
Genome position (GRCh38, 1-based): chr1:240,208,340, G>T. VCF-style: chr1-240208340-G-T. GRCh37 (hg19) VCF-style: chr1-240371640-G-T.
Other names: c.3540G>T, p.Pro1180= (NM_001305424.2); c.1986+20078G>T (NM_001348094.2).
Identifiers: ClinVar variation 3771253 (VCV003771253.13).

ClinVar aggregate classification (germline): Likely benign (1 of 4 stars; one submission).

Submission:

CeGaT Center for Human Genetics Tuebingen
Classification: Likely benign. Last evaluated: 2026-09-01. Review status: criteria provided, single submitter. Criteria: CeGaT Center For Human Genetics Tuebingen Variant Classification Criteria Version 2. Collection method: clinical testing. Allele origin: germline. Affected: yes. Observed: 3 variant alleles.
Comment: FMN2: BP4, BP7